The following is an entry in ClinVar:

NM_020975.6(RET):c.2940-1G>A

Gene: RET (ret proto-oncogene; plus strand). Cytogenetic location: 10q11.21.
Variant type: single nucleotide variant.
Coding change: c.2940-1G>A on transcript NM_020975.6 (MANE Select); the canonical splice acceptor site of the intron before coding-DNA position 2940, G replaced by A.
Molecular consequence: splice acceptor variant.
Genome position (GRCh38, 1-based): chr10:43,124,882, G>A. VCF-style: chr10-43124882-G-A. GRCh37 (hg19) VCF-style: chr10-43620330-G-A.
Other names: c.2940-1G>A (NM_020630.7, NM_001406743.1, NM_001406744.1 and 2 more transcripts); c.2805-1G>A (NM_001406765.1, NM_001406763.1); c.2544-1G>A (NM_001406772.1, NM_001406769.1); c.2502-1G>A (NM_001406773.1, NM_001406771.1); c.2043-1G>A (NM_001406782.1, NM_001406780.1, NM_001406779.1 and 1 more transcripts); c.1908-1G>A (NM_001406787.1); c.1923-1G>A (NM_001406785.1); c.2811-1G>A (NM_001406764.1, NM_001406762.1, NM_001406761.1); and 10 more.
Identifiers: ClinVar variation 4799285 (VCV004799285.1).

ClinVar aggregate classification (germline): Likely pathogenic (1 of 4 stars; one submission).

Conditions:
Multiple endocrine neoplasia, type 2 (MEN2). Identifiers: Orphanet 653, MedGen C4048306, MONDO:0019003. Disease mechanism: gain of function.

Submission:

Labcorp Genetics (formerly Invitae), Labcorp
Classification: Likely pathogenic for Multiple endocrine neoplasia, type 2. Last evaluated: 2025-07-15. Review status: criteria provided, single submitter. Criteria: Invitae Variant Classification Sherloc (09022015). Collection method: clinical testing. Allele origin: germline.
Comment: This sequence change affects an acceptor splice site in intron 17 of the RET gene. It is expected to disrupt RNA splicing. Variants that disrupt the donor or acceptor splice site typically lead to a loss of protein function (PMID: 16199547), and loss-of-function variants in RET are known to be pathogenic (PMID: 22174939, 22648184). This variant is not present in population databases (gnomAD no frequency). This variant has not been reported in the literature in individuals affected with RET-related conditions. Algorithms developed to predict the effect of sequence changes on RNA splicing suggest that this variant may disrupt the consensus splice site. In summary, the currently available evidence indicates that the variant is pathogenic, but additional data are needed to prove that conclusively. Therefore, this variant has been classified as Likely Pathogenic.

Literature cited by the submitters: PubMed 16199547; PubMed 22174939; PubMed 22648184.